The following is an entry in ClinVar:

NM_000077.5(CDKN2A):c.83T>G (p.Val28Gly)

Gene: CDKN2A (cyclin dependent kinase inhibitor 2A; minus strand). Cytogenetic location: 9p21.3.
Variant type: single nucleotide variant.
Coding change: c.83T>G on transcript NM_000077.5; coding-DNA position 83, T replaced by G.
Protein change: p.Val28Gly; replaces valine 28 with glycine.
Molecular consequence: missense variant (on NM_000077.6). On other transcripts: intron variant (2).
Genome position (GRCh38, 1-based): chr9:21,974,745, A>C on the plus strand (T>G on the coding strand, the complement: CDKN2A is on the minus strand). VCF-style: chr9-21974745-A-C. GRCh37 (hg19) VCF-style: chr9-21974744-A-C.
Other names: c.83T>G, p.Val28Gly (NM_000077.6, NM_001195132.2, NM_058197.5); c.-3-3537T>G (NM_001363763.2); c.194-3537T>G (NM_058195.4); short protein forms V28G.
Identifiers: ClinVar variation 236991 (VCV000236991.18), dbSNP rs775176191, ClinGen allele CA5012321.
Genomic context (GRCh38, chr9:21,974,745, plus strand): 5'-GGCCTCCGACCGTAACTATTCGGTGCGTTGGGCAGCGCCCCCGCCTCCAGCAGCGCCCGC[A>C]CCTCCTCTACCCGACCCCGGGCCGCGGCCGTGGCCAGCCAGTCAGCCGAAGGCTCCATGC-3'
Protein context (NP_000068.1, residues 18-38): TAAARGRVEE[Val28Gly]RALLEAGALP

ClinVar aggregate classification (germline): Conflicting classifications of pathogenicity. Review status: criteria provided, conflicting classifications (1 of 4 stars). 4 submissions from 4 submitters: Uncertain significance (3); Benign (1). Last evaluated 2024-06-27.

Conditions:
Hereditary cancer-predisposing syndrome. Also called: Neoplastic Syndromes, Hereditary; Hereditary Cancer Syndrome; Tumor predisposition; Hereditary neoplastic syndrome. Identifiers: Orphanet 140162, MedGen C0027672, MeSH D009386, MONDO:0015356.
Familial melanoma. Also called: Hereditary melanoma; Hereditary cutaneous melanoma. Identifiers: Orphanet 618, MedGen C1512419, MONDO:0018961.

Allele frequency attached by ClinVar (database versions not stated): ExAC 0.00055.

Submissions (4):

Ambry Genetics
Classification: Uncertain significance for Hereditary cancer-predisposing syndrome. Last evaluated: 2024-06-27. Review status: criteria provided, single submitter. Criteria: Ambry Variant Classification Scheme 2023. Collection method: clinical testing. Allele origin: germline.
Comment: The p.V28G variant (also known as c.83T>G), located in coding exon 1 of the CDKN2A gene, results from a T to G substitution at nucleotide position 83. The valine at codon 28 is replaced by glycine, an amino acid with dissimilar properties. This alteration was identified in individuals with multiple primary melanomas (Blackwood MA et al. Cancer, 2002 Apr;94:2248-55; Ambry internal data). This amino acid position is highly conserved in available vertebrate species. In addition, this alteration is predicted to be deleterious by in silico analysis. Based on the available evidence, the clinical significance of this variant remains unclear.

Labcorp Genetics (formerly Invitae), Labcorp
Classification: Benign for Familial melanoma. Last evaluated: 2024-04-22. Review status: criteria provided, single submitter. Criteria: Invitae Variant Classification Sherloc (09022015). Collection method: clinical testing. Allele origin: germline.

GeneDx
Classification: Uncertain significance. Last evaluated: 2023-05-02. Review status: criteria provided, single submitter. Criteria: GeneDx Variant Classification Process June 2021. Collection method: clinical testing. Allele origin: germline. Affected: yes.
Comment: Not observed at significant frequency in large population cohorts (gnomAD); In silico analysis supports that this missense variant has a deleterious effect on protein structure/function; Identified in an individual with multiple primary melanoma (Blackwood et al., 2002); This variant is associated with the following publications: (PMID: 16173922, 9653180, 9529249, 12001124, 33076392, 12752119, Ghasemi2021[article], 34819573)

Color Diagnostics, LLC DBA Color Health
Classification: Uncertain significance for Hereditary cancer-predisposing syndrome. Last evaluated: 2019-09-17. Review status: criteria provided, single submitter. Criteria: ACMG Guidelines, 2015. Collection method: clinical testing. Allele origin: germline.
Comment: This missense variant replaces valine with glycine at codon 28 of the CDKN2A (p16INK4A) protein. Computational prediction tool suggests that this variant may have deleterious impact on protein structure and function (internally defined REVEL score threshold ≥0.7, PMID: 27666373). Splice site prediction tools suggest that this variant may not impact RNA splicing. To our knowledge, functional studies have not been performed for this variant. This variant has been reported in a family affected with two cases of melanoma (PMID: 12001124). This variant has not been identified in the general population by the Genome Aggregation Database (gnomAD). The available evidence is insufficient to determine the role of this variant in disease conclusively. Therefore, this variant is classified as a Variant of Uncertain Significance.

Literature cited by the submitters: PubMed 12001124 (cited by Ambry Genetics).